The following is an entry in ClinVar:

NM_020320.5(RARS2):c.282_285del (p.Arg94fs)

Gene: RARS2 (arginyl-tRNA synthetase 2, mitochondrial; minus strand). Cytogenetic location: 6q15.
Variant type: Microsatellite.
Coding change: c.282_285del on transcript NM_020320.5 (MANE Select); coding-DNA positions 282 to 285, 4 bases deleted (AGAG; older notation c.282_285delAGAG).
Protein change: p.Arg94fs; shifts the reading frame from arginine 94.
Molecular consequence: frameshift variant. On other transcripts: 5 prime UTR variant (7), non-coding transcript variant (23).
Genome position (GRCh38, 1-based): chr6:87,562,714-87,562,717, CTCT deleted on the plus strand (AGAG on the coding strand, the reverse complement: RARS2 is on the minus strand); deleting any 4 consecutive bases within chr6:87,562,714-87,562,719 gives the same sequence; the c. name uses the placement nearest the transcript's 3' end. VCF-style (leftmost placement, unchanged base first): chr6-87562713-GCTCT-G. GRCh37 (hg19) VCF-style: chr6-88272431-GCTCT-G.
Other names: c.-190AG[1] (NM_001318785.2, NM_001350509.2); c.282_285del, p.Arg94fs (NM_001350505.2); c.-246AG[1] (NM_001350506.2, NM_001350507.2, NM_001350510.2 and 1 more transcripts); c.-408AG[1] (NM_001350508.2); c.282_285delAGAG (NM_020320.4); short protein forms R94fs.
Identifiers: ClinVar variation 1069762 (VCV001069762.14), dbSNP rs767056243, ClinGen allele CA3916705.

ClinVar aggregate classification (germline): Pathogenic/Likely pathogenic. Review status: criteria provided, multiple submitters, no conflicts (2 of 4 stars). 5 submissions from 5 submitters: Pathogenic (4); Likely pathogenic (1). Last evaluated 2025-04-24.

Conditions:
Pontocerebellar hypoplasia type 6 (PCH6). Identifiers: Orphanet 166073, MedGen C1969084, MONDO:0012683, OMIM 611523.

Submissions (5):

Natera, Inc.
Classification: Pathogenic for Pontocerebellar hypoplasia, type 6. Last evaluated: 2025-04-24. Review status: criteria provided, single submitter. Criteria: Natera Variant Classification Schema (03/2026). Collection method: clinical testing. Allele origin: germline.
Comment: The c.282_285delAGAG variant in RARS2 is a frameshift variant predicted to shift the reading frame beginning at codon 94 and leads to a stop codon 3 codons downstream. This variant is expected to result in nonsense mediated decay, truncation, or a dysfunctional protein product. This variant is rare in the general population with a frequency below the threshold expected for the associated phenotype(s). This variant has been observed in one or more individuals affected with the associated recessive disease, as either homozygous or compound heterozygous with a second variant (PMID: 33209735). Given the available evidence, this variant is classified as Pathogenic.

Fulgent Genetics
Classification: Pathogenic for Pontocerebellar hypoplasia type 6. Last evaluated: 2024-06-12. Review status: criteria provided, single submitter. Criteria: ACMG Guidelines, 2015. Collection method: clinical testing. Allele origin: germline.

Labcorp Genetics (formerly Invitae), Labcorp
Classification: Pathogenic. Last evaluated: 2024-02-19. Review status: criteria provided, single submitter. Criteria: Invitae Variant Classification Sherloc (09022015). Collection method: clinical testing. Allele origin: germline.
Comment: This sequence change creates a premature translational stop signal (p.Arg94Serfs*3) in the RARS2 gene. It is expected to result in an absent or disrupted protein product. Loss-of-function variants in RARS2 are known to be pathogenic (PMID: 17847012, 22569581, 26083569). This variant is present in population databases (rs767056243, gnomAD 0.02%). This variant has not been reported in the literature in individuals affected with RARS2-related conditions. Algorithms developed to predict the effect of sequence changes on RNA splicing suggest that this variant may disrupt the consensus splice site. For these reasons, this variant has been classified as Pathogenic.

Baylor Genetics
Classification: Likely pathogenic for Pontocerebellar hypoplasia type 6. Last evaluated: 2023-12-15. Review status: criteria provided, single submitter. Criteria: ACMG Guidelines, 2015. Collection method: clinical testing. Allele origin: unknown.

Juno Genomics, Hangzhou Juno Genomics, Inc
Classification: Pathogenic for Pontocerebellar hypoplasia type 6. Review status: criteria provided, single submitter. Criteria: ACMG Guidelines, 2015. Collection method: clinical testing. Allele origin: germline.
Comment: Absent from controls (or at extremely low frequency if recessive) in Genome Aggregation Database.;Null variant in a gene where loss of function (LOF) is a known mechanism of disease.;For recessive disorders, detected in trans with a pathogenic variant.;Patient's phenotype or family history is highly specific for a disease with a single genetic etiology.

Literature cited by the submitters: PubMed 33209735 (cited by Natera, Inc.); PubMed 17847012 (cited by Labcorp Genetics (formerly Invitae), Labcorp); PubMed 22569581 (cited by Labcorp Genetics (formerly Invitae), Labcorp); PubMed 26083569 (cited by Labcorp Genetics (formerly Invitae), Labcorp).